The following is an entry in ClinVar:

NM_030665.4(RAI1):c.840_843del (p.Gln280fs)

Gene: RAI1 (retinoic acid induced 1; plus strand). Cytogenetic location: 17p11.2.
Variant type: Deletion.
Coding change: c.840_843del on transcript NM_030665.4 (MANE Select); coding-DNA positions 840 to 843, 4 bases deleted (GCAG; older notation c.840_843delGCAG).
Protein change: p.Gln280fs; shifts the reading frame from glutamine 280.
Molecular consequence: frameshift variant.
Genome position (GRCh38, 1-based): chr17:17,793,788-17,793,791, GCAG deleted. VCF-style (leftmost placement, unchanged base first): chr17-17793787-AGCAG-A. GRCh37 (hg19) VCF-style: chr17-17697101-AGCAG-A.
Other names: c.840_843delGCAG (NM_030665.3); short protein forms Q280fs.
Identifiers: ClinVar variation 403362 (VCV000403362.15), dbSNP rs775735568, ClinGen allele CA8418211.

ClinVar aggregate classification (germline): Benign. Review status: criteria provided, multiple submitters, no conflicts (2 of 4 stars). 6 submissions from 6 submitters: Benign (4). 2 of the submissions do not count toward it. Last evaluated 2021-10-07.

Conditions:
Inborn genetic diseases. Identifiers: MedGen C0950123, MeSH D030342.
Smith-Magenis syndrome (SMS). Also called: CHROMOSOME 17p11.2 DELETION SYNDROME. Identifiers: Orphanet 819, MedGen C0795864, MONDO:0008434, OMIM 182290.

Allele frequency attached by ClinVar (database versions not stated): gnomAD 0.00094 and 0.00097; gnomAD exomes 0.03932; ExAC 0.04235.

Submissions (6):

Fulgent Genetics
Classification: Benign for Smith-Magenis syndrome. Last evaluated: 2021-10-07. Review status: criteria provided, single submitter. Criteria: ACMG Guidelines, 2015. Collection method: clinical testing. Allele origin: unknown.

GeneDx
Classification: Benign. Last evaluated: 2019-08-06. Review status: criteria provided, single submitter. Criteria: GeneDx Variant Classification Process June 2021. Collection method: clinical testing. Allele origin: germline. Affected: yes.

Ambry Genetics
Classification: Benign for Inborn genetic diseases. Last evaluated: 2016-04-26. Review status: criteria provided, single submitter. Criteria: Ambry Variant Classification Scheme 2023. Collection method: clinical testing. Allele origin: germline.

Laboratory for Molecular Medicine, Mass General Brigham Personalized Medicine
Classification: Benign. Last evaluated: 2016-03-29. Review status: criteria provided, single submitter. Criteria: LMM Criteria. Collection method: clinical testing. Allele origin: germline.
Comment: Variant identified in a genome or exome case(s) and assessed due to predicted null impact of the variant or pathogenic assertions in the literature or databases. Disclaimer: This variant has not undergone full assessment. The following are preliminary notes: VQSRTrancheINDEL97.00to99.00 (11.52% South Asian)

Diagnostic Laboratory, Department of Genetics, University Medical Center Groningen
Classification: Benign. Review status: no assertion criteria provided. Collection method: clinical testing. Allele origin: germline. Affected: yes. Study: VKGL Data-share Consensus. Not counted in ClinVar's aggregate classification.

Laboratory of Diagnostic Genome Analysis, Leiden University Medical Center (LUMC)
Classification: Likely benign. Review status: no assertion criteria provided. Collection method: clinical testing. Allele origin: germline. Affected: yes. Study: VKGL Data-share Consensus. Not counted in ClinVar's aggregate classification.